The following is an entry in ClinVar:

NM_003839.4(TNFRSF11A):c.1753G>A (p.Gly585Ser)

Gene: TNFRSF11A (TNF receptor superfamily member 11a; plus strand). Cytogenetic location: 18q21.33.
Variant type: single nucleotide variant.
Coding change: c.1753G>A on transcript NM_003839.4 (MANE Select); coding-DNA position 1753, G replaced by A.
Protein change: p.Gly585Ser; replaces glycine 585 with serine.
Molecular consequence: missense variant. On other transcripts: 3 prime UTR variant (1).
Genome position (GRCh38, 1-based): chr18:62,384,936, G>A. VCF-style: chr18-62384936-G-A. GRCh37 (hg19) VCF-style: chr18-60052169-G-A.
Other names: c.*177G>A (NM_001270949.2); c.916G>A, p.Gly306Ser (NM_001270950.2); c.802G>A, p.Gly268Ser (NM_001270951.2); c.1711G>A, p.Gly571Ser (NM_001278268.2); short protein forms G268S, G306S, G571S, G585S.
Identifiers: ClinVar variation 1414342 (VCV001414342.8), dbSNP rs781141387, ClinGen allele CA8984049.
Genomic context (GRCh38, chr18:62,384,936, plus strand): 5'-CCCATGGGCCGCCCGGTGCAGGAGGAGACCCTGGCGCGCCGAGACTCCTTCGCGGGGAAC[G>A]GCCCGCGCTTCCCGGACCCGTGCGGCGGCCCCGAGGGGCTGCGGGAGCCGGAGAAGGCCT-3'
Protein context (NP_003830.1, residues 575-595): LARRDSFAGN[Gly585Ser]PRFPDPCGGP

ClinVar aggregate classification (germline): Uncertain significance (1 of 4 stars; one submission).

Allele frequency attached by ClinVar (database versions not stated): gnomAD 0.00001; ExAC 0.00007; 1000 Genomes Project 30x 0.00016.
gnomAD v4.1: 6 of 1,543,334 alleles (0.00039%); highest among the groups gnomAD compares: Middle Eastern, 0.017%; no homozygotes.

Submission:

Labcorp Genetics (formerly Invitae), Labcorp
Classification: Uncertain significance. Last evaluated: 2025-11-22. Review status: criteria provided, single submitter. Criteria: Invitae Variant Classification Sherloc (09022015). Collection method: clinical testing. Allele origin: germline.
Comment: This sequence change replaces glycine, which is neutral and non-polar, with serine, which is neutral and polar, at codon 585 of the TNFRSF11A protein (p.Gly585Ser). The frequency data for this variant in the population databases is considered unreliable, as metrics indicate poor data quality at this position in the gnomAD database. This variant has not been reported in the literature in individuals affected with TNFRSF11A-related conditions. ClinVar contains an entry for this variant (Variation ID: 1414342). An algorithm developed to predict the effect of missense changes on protein structure and function (PolyPhen-2) suggests that this variant is likely to be tolerated. In summary, the available evidence is currently insufficient to determine the role of this variant in disease. Therefore, it has been classified as a Variant of Uncertain Significance.